The following is an entry in ClinVar:

NM_014049.5(ACAD9):c.1463G>A (p.Gly488Glu)

Gene: ACAD9 (acyl-CoA dehydrogenase family member 9; plus strand). Cytogenetic location: 3q21.3.
Variant type: single nucleotide variant.
Coding change: c.1463G>A on transcript NM_014049.5 (MANE Select); coding-DNA position 1463, G replaced by A.
Protein change: p.Gly488Glu; replaces glycine 488 with glutamic acid.
Molecular consequence: missense variant. On other transcripts: non-coding transcript variant (1).
Genome position (GRCh38, 1-based): chr3:128,909,077, G>A. VCF-style: chr3-128909077-G-A. GRCh37 (hg19) VCF-style: chr3-128627920-G-A.
Other names: c.1094G>A, p.Gly365Glu (NM_001410805.1); short protein forms G365E, G488E.
Identifiers: ClinVar variation 3384666 (VCV003384666.1).

ClinVar aggregate classification (germline): Uncertain significance (1 of 4 stars; one submission).

Submission:

GeneDx
Classification: Uncertain significance. Last evaluated: 2024-06-07. Review status: criteria provided, single submitter. Criteria: GeneDx Variant Classification Process June 2021. Collection method: clinical testing. Allele origin: germline. Affected: yes.
Comment: Not observed at significant frequency in large population cohorts (gnomAD); In silico analysis indicates that this missense variant does not alter protein structure/function; Has not been previously published as pathogenic or benign to our knowledge